The following is an entry in ClinVar:

ClinVar aggregate classification (germline): Likely benign (1 of 4 stars; one submission).

gnomAD v4.1: 18 of 1,613,858 alleles (0.0011%); highest among the groups gnomAD compares: Middle Eastern, 0.016%; no homozygotes.

Submission:

Mayo Clinic Laboratories, Mayo Clinic
Classification: Likely benign. Last evaluated: 2025-12-14. Review status: criteria provided, single submitter. Criteria: ACMG Guidelines, 2015. Collection method: clinical testing. Allele origin: germline. Observed: 1 variant allele.
Comment: BP4, BP7

NM_018417.6(ADCY10):c.1407-6C>T

Genes: ADCY10 (adenylate cyclase 10; minus strand), DCAF6 (DDB1 and CUL4 associated factor 6; plus strand). Cytogenetic location: 1q24.2.
Variant type: single nucleotide variant.
Coding change: c.1407-6C>T on transcript NM_018417.6 (MANE Select); 6 bases into the intron before coding-DNA position 1407, C replaced by T.
Molecular consequence: intron variant.
Genome position (GRCh38, 1-based): chr1:167,875,192, G>A on the plus strand (C>T on the coding strand, the complement: ADCY10 is on the minus strand). VCF-style: chr1-167875192-G-A. GRCh37 (hg19) VCF-style: chr1-167844430-G-A.
Other names: p.?; c.948-6C>T (NM_001167749.3); c.1131-6C>T (NM_001297772.2).
Identifiers: ClinVar variation 4683767 (VCV004683767.1).